The following is an entry in ClinVar:

ClinVar aggregate classification (germline): Benign (1 of 4 stars; one submission).

Allele frequency attached by ClinVar (database versions not stated): gnomAD exomes 0.47255; gnomAD 0.50739 and 0.50777; TOPMed 0.51368; 1000 Genomes Project 30x 0.54294; 1000 Genomes Project 0.54393.
gnomAD v4.1: 320,968 of 667,550 alleles (48%); highest among the groups gnomAD compares: African/African-American, 62%; 78,903 homozygotes.

Submission:

GeneDx
Classification: Benign. Last evaluated: 2018-06-18. Review status: criteria provided, single submitter. Criteria: GeneDx Variant Classification (06012015). Collection method: clinical testing. Allele origin: germline. Affected: yes.
Comment: This variant is considered likely benign or benign based on one or more of the following criteria: it is a conservative change, it occurs at a poorly conserved position in the protein, it is predicted to be benign by multiple in silico algorithms, and/or has population frequency not consistent with disease.

NM_000426.4(LAMA2):c.5562+149A>G

Gene: LAMA2 (laminin subunit alpha 2; plus strand). Cytogenetic location: 6q22.33.
Variant type: single nucleotide variant.
Coding change: c.5562+149A>G on transcript NM_000426.4 (MANE Select); 149 bases into the intron after coding-DNA position 5562, A replaced by G.
Molecular consequence: intron variant.
Genome position (GRCh38, 1-based): chr6:129,401,489, A>G. VCF-style: chr6-129401489-A-G. GRCh37 (hg19) VCF-style: chr6-129722634-A-G.
Other names: c.5562+149A>G (NM_001079823.2).
Identifiers: ClinVar variation 682922 (VCV000682922.1), dbSNP rs3749879, ClinGen allele CA15482911.